The following is an entry in ClinVar:

NM_000138.5(FBN1):c.6205A>G (p.Lys2069Glu)

Gene: FBN1 (fibrillin 1; minus strand). Cytogenetic location: 15q21.1.
Variant type: single nucleotide variant.
Coding change: c.6205A>G on transcript NM_000138.5 (MANE Select); coding-DNA position 6205, A replaced by G.
Protein change: p.Lys2069Glu; replaces lysine 2069 with glutamic acid.
Molecular consequence: missense variant.
Genome position (GRCh38, 1-based): chr15:48,437,876, T>C on the plus strand (A>G on the coding strand, the complement: FBN1 is on the minus strand). VCF-style: chr15-48437876-T-C. GRCh37 (hg19) VCF-style: chr15-48730073-T-C.
Other names: c.6205A>G, p.Lys2069Glu (NM_001406716.1); short protein forms K2069E.
Identifiers: ClinVar variation 4756154 (VCV004756154.1).

ClinVar aggregate classification (germline): Uncertain significance (1 of 4 stars; one submission).

Conditions:
Familial thoracic aortic aneurysm and aortic dissection (TAAD). Also called: Thoracic aortic aneurysms and dissections. Identifiers: Orphanet 91387, MedGen C4707243, MONDO:0019625.

gnomAD v4.1: 1 of 1,613,874 alleles (0.000062%); highest among the groups gnomAD compares: East Asian, 0.0022%; no homozygotes.

Submission:

Color Diagnostics, LLC DBA Color Health
Classification: Uncertain significance for Familial thoracic aortic aneurysm and aortic dissection. Last evaluated: 2025-08-22. Review status: criteria provided, single submitter. Criteria: ACMG Guidelines, 2015. Collection method: clinical testing. Allele origin: germline.
Comment: This missense variant replaces lysine with glutamic acid at codon 2069 of the FBN1 protein. Computational prediction suggests that this variant may not impact protein structure and function. To our knowledge, functional studies have not been reported for this variant. This variant has not been reported in individuals affected with FBN1-related disorders in the literature. This variant has not been identified in the general population by the Genome Aggregation Database (gnomAD). The available evidence is insufficient to determine the role of this variant in disease conclusively. Therefore, this variant is classified as a Variant of Uncertain Significance.